The following is an entry in ClinVar:

NM_001374828.1(ARID1B):c.2714del (p.Asn905fs)

Gene: ARID1B (AT-rich interaction domain 1B; plus strand). Cytogenetic location: 6q25.3.
Variant type: Deletion.
Coding change: c.2714del on transcript NM_001374828.1 (MANE Select); coding-DNA position 2714, one base deleted (A; older notation c.2714delA).
Protein change: p.Asn905fs; shifts the reading frame from asparagine 905.
Molecular consequence: frameshift variant.
Genome position (GRCh38, 1-based): chr6:157,133,160, A deleted; the last of 2 consecutive A bases (chr6:157,133,159-157,133,160); deleting either gives the same sequence. VCF-style (leftmost placement, unchanged base first): chr6-157133158-TA-T. GRCh37 (hg19) VCF-style: chr6-157454292-TA-T.
Other names: c.2465delA, p.Asn822Thrfs (NM_001346813.1); c.215del, p.Asn72fs (NM_001363725.2); c.2753del, p.Asn918fs (NM_001371656.1, NM_001374820.1); c.2714del, p.Asn905fs (NM_017519.3); c.2504delA, p.Asn835Thrfs (NM_020732.3); c.2291delA, p.Asn764Thrfs (NM_175863.2); short protein forms N72fs, N905fs, N918fs.
Identifiers: ClinVar variation 1709064 (VCV001709064.2), dbSNP rs2537640975, ClinGen allele CA2580075255.

ClinVar aggregate classification (germline): Likely pathogenic (1 of 4 stars; one submission).

Conditions:
Coffin-Siris syndrome 1 (CSS1). Also called: Mental retardation, autosomal dominant 12; ARID1B-Related Coffin-Siris Syndrome. Identifiers: Orphanet 1465, MedGen C3281201, MONDO:0007617, OMIM 135900. Disease mechanism: gain of function.

Submission:

MGZ Medical Genetics Center
Classification: Likely pathogenic for Coffin-Siris syndrome 1. Last evaluated: 2021-12-29. Review status: criteria provided, single submitter. Criteria: ACMG Guidelines, 2015. Collection method: clinical testing. Allele origin: germline. Affected: yes. Observed: 1 variant allele.
Comment: ACMG criteria applied: PVS1, PM2_SUP